The following is an entry in ClinVar:

NM_000642.3(AGL):c.*575G>T

Gene: AGL (amylo-alpha-1,6-glucosidase and 4-alpha-glucanotransferase; plus strand). Cytogenetic location: 1p21.2.
Variant type: single nucleotide variant.
Coding change: c.*575G>T on transcript NM_000642.3 (MANE Select); 575 bases downstream of the stop codon, G replaced by T.
Molecular consequence: 3 prime UTR variant.
Genome position (GRCh38, 1-based): chr1:99,922,226, G>T. VCF-style: chr1-99922226-G-T. GRCh37 (hg19) VCF-style: chr1-100387782-G-T.
Other names: c.*575G>T (NM_000028.3, NM_000643.3, NM_000644.3 and 7 more transcripts).
Identifiers: ClinVar variation 291356 (VCV000291356.5), dbSNP rs60880558, ClinGen allele CA10611781.
Genomic context (GRCh38, chr1:99,922,226, plus strand): 5'-CTAAATGGAGCACAGATGTTCAAACTATGCTTTCATTTTTTCACTGATATATTAATTTTT[G>T]TGTAATGAATGCCAACAGTATATTTTATATGATTTACTTATGTGAGGAAACATGCAAAGC-3'

ClinVar aggregate classification (germline): Benign (1 of 4 stars; one submission).

Conditions:
Glycogen storage disease type III (GSD3). Also called: FORBES DISEASE; Cori disease. Identifiers: Orphanet 366, MedGen C0017922, MONDO:0009291, OMIM 232400.

Allele frequency attached by ClinVar (database versions not stated): gnomAD 0.01050 and 0.01122; TOPMed 0.01175; 1000 Genomes Project 0.01218; 1000 Genomes Project 30x 0.01296.

Submission:

Illumina Laboratory Services, Illumina
Classification: Benign for Glycogen storage disease type III. Last evaluated: 2018-01-13. Review status: criteria provided, single submitter. Criteria: ICSL Variant Classification Criteria 13 December 2019. Collection method: clinical testing. Allele origin: germline.
Comment: This variant was observed in the ICSL laboratory as part of a predisposition screen in an ostensibly healthy population. It had not been previously curated by ICSL or reported in the Human Gene Mutation Database (HGMD: prior to June 1st, 2018), and was therefore a candidate for classification through an automated scoring system. Utilizing variant allele frequency, disease prevalence and penetrance estimates, and inheritance mode, an automated score was calculated to assess if this variant is too frequent to cause the disease. Based on the score and internal cut-off values, a variant classified as benign is not then subjected to further curation. The score for this variant resulted in a classification of benign for this disease.